The following is an entry in ClinVar:

ClinVar aggregate classification (germline): Pathogenic. Review status: criteria provided, multiple submitters, no conflicts (2 of 4 stars). 5 submissions from 5 submitters: Pathogenic (4). 1 of the submissions does not count toward it. Last evaluated 2023-12-10.

Conditions:
Junctional epidermolysis bullosa. Identifiers: Orphanet 305, MedGen C0079301, MONDO:0017612.
Junctional epidermolysis bullosa gravis of Herlitz. Also called: EPIDERMOLYSIS BULLOSA, JUNCTIONAL 1B, SEVERE; Epidermolysis Bullosa Letalis; EPIDERMOLYSIS BULLOSA JUNCTIONALIS, HERLITZ TYPE; EPIDERMOLYSIS BULLOSA, JUNCTIONAL, HERLITZ-PEARSON TYPE; JEB-HERLITZ TYPE; Herlitz-type junctional epidermolysis bullosa. Identifiers: Orphanet 79404, MedGen C0079683, MONDO:0009182, OMIM 226700.

Allele frequency attached by ClinVar (database versions not stated): gnomAD exomes 0.00001; ExAC 0.00002.
gnomAD v4.1: 6 of 1,614,070 alleles (0.00037%); highest among the groups gnomAD compares: Admixed American, 0.0033%; no homozygotes.

Submissions (5):

Labcorp Genetics (formerly Invitae), Labcorp
Classification: Pathogenic. Last evaluated: 2023-12-10. Review status: criteria provided, single submitter. Criteria: Invitae Variant Classification Sherloc (09022015). Collection method: clinical testing. Allele origin: germline.
Comment: This sequence change creates a premature translational stop signal (p.Arg144*) in the LAMB3 gene. It is expected to result in an absent or disrupted protein product. Loss-of-function variants in LAMB3 are known to be pathogenic (PMID: 11023379, 16473856). This variant is present in population databases (rs759518184, gnomAD 0.003%). This premature translational stop signal has been observed in individuals with junctional epidermolysis bullosa (PMID: 8824879, 11023379, 27375110). ClinVar contains an entry for this variant (Variation ID: 488703). Algorithms developed to predict the effect of sequence changes on RNA splicing suggest that this variant may disrupt the consensus splice site. For these reasons, this variant has been classified as Pathogenic.

GeneDx
Classification: Pathogenic. Last evaluated: 2023-11-22. Review status: criteria provided, single submitter. Criteria: GeneDx Variant Classification Process June 2021. Collection method: clinical testing. Allele origin: germline. Affected: yes.
Comment: Nonsense variant predicted to result in protein truncation or nonsense mediated decay in a gene for which loss-of-function is a known mechanism of disease; Not observed at significant frequency in large population cohorts (gnomAD); This variant is associated with the following publications: (PMID: 8624605, 25525159, 29946029, 31589614, 11023379, 27375110, 8824879)

Women's Health and Genetics/Laboratory Corporation of America, LabCorp
Classification: Pathogenic for Junctional epidermolysis bullosa. Last evaluated: 2022-06-06. Review status: criteria provided, single submitter. Criteria: LabCorp Variant Classification Summary - May 2015. Collection method: clinical testing. Allele origin: germline.
Comment: Variant summary: LAMB3 c.430C>T (p.Arg144X) results in a premature termination codon, predicted to cause a truncation of the encoded protein or absence of the protein due to nonsense mediated decay, which are commonly known mechanisms for disease. Truncations downstream of this position have been classified as pathogenic by our laboratory. The variant allele was found at a frequency of 1.2e-05 in 250998 control chromosomes. c.430C>T has been reported in the literature in individuals affected with Junctional Epidermolysis Bullosa. These data indicate that the variant may be associated with disease. Three clinical diagnostic laboratories have submitted clinical-significance assessments for this variant to ClinVar after 2014 without evidence for independent evaluation. All laboratories classified the variant as pathogenic. Based on the evidence outlined above, the variant was classified as pathogenic.

Biomedical Innovation Departament, CIEMAT
Classification: Pathogenic for Epidermolysis bullosa junctionalis. Last evaluated: 2016-12-01. Review status: criteria provided, single submitter. Criteria: ACMG Guidelines, 2015. Collection method: research. Allele origin: germline. Affected: yes. Observed: 1 variant allele.

Counsyl
Classification: Pathogenic for Junctional epidermolysis bullosa gravis of Herlitz. Last evaluated: 2014-01-02. Review status: no assertion criteria provided. Collection method: clinical testing. Allele origin: unknown. Not counted in ClinVar's aggregate classification.

Literature cited by the submitters: PubMed 11023379 (cited by Labcorp Genetics (formerly Invitae), Labcorp); PubMed 16473856 (cited by Labcorp Genetics (formerly Invitae), Labcorp); PubMed 8824879 (cited by 3 submitters); PubMed 27375110 (cited by Labcorp Genetics (formerly Invitae), Labcorp and Women's Health and Genetics/Laboratory Corporation of America, LabCorp).

NM_000228.3(LAMB3):c.430C>T (p.Arg144Ter)

Gene: LAMB3 (laminin subunit beta 3; minus strand). Cytogenetic location: 1q32.2.
Variant type: single nucleotide variant.
Coding change: c.430C>T on transcript NM_000228.3 (MANE Select); coding-DNA position 430, C replaced by T.
Protein change: p.Arg144Ter; replaces arginine 144 with a stop codon.
Molecular consequence: nonsense.
Genome position (GRCh38, 1-based): chr1:209,634,581, G>A on the plus strand (C>T on the coding strand, the complement: LAMB3 is on the minus strand). VCF-style: chr1-209634581-G-A. GRCh37 (hg19) VCF-style: chr1-209807926-G-A.
Other names: c.430C>T, p.Arg144Ter (NM_001017402.2, NM_001127641.1); short protein forms R144*.
Identifiers: ClinVar variation 488703 (VCV000488703.16), dbSNP rs759518184, ClinGen allele CA1375970.